The following is an entry in ClinVar:

NM_004370.6(COL12A1):c.8602A>G (p.Thr2868Ala)

Gene: COL12A1 (collagen type XII alpha 1 chain; minus strand). Cytogenetic location: 6q13.
Variant type: single nucleotide variant.
Coding change: c.8602A>G on transcript NM_004370.6 (MANE Select); coding-DNA position 8602, A replaced by G.
Protein change: p.Thr2868Ala; replaces threonine 2868 with alanine.
Molecular consequence: missense variant.
Genome position (GRCh38, 1-based): chr6:75,095,155, T>C on the plus strand (A>G on the coding strand, the complement: COL12A1 is on the minus strand). VCF-style: chr6-75095155-T-C. GRCh37 (hg19) VCF-style: chr6-75804871-T-C.
Other names: c.5110A>G, p.Thr1704Ala (NM_080645.3); short protein forms T2868A, T1704A.
Identifiers: ClinVar variation 1483646 (VCV001483646.8), dbSNP rs2149333527, ClinGen allele CA364737074.

ClinVar aggregate classification (germline): Uncertain significance (1 of 4 stars; one submission).

Conditions:
Ullrich congenital muscular dystrophy 2 (UCMD2). Identifiers: Orphanet 75840, MedGen C4225314, MONDO:0014654, OMIM 616470.
Bethlem myopathy 2 (BTHLM2). Identifiers: Orphanet 536516, Orphanet 610, MedGen C4225313, MONDO:0034022, OMIM 616471.

Submission:

Labcorp Genetics (formerly Invitae), Labcorp
Classification: Uncertain significance for Bethlem myopathy 2; Ullrich congenital muscular dystrophy 2. Last evaluated: 2020-12-15. Review status: criteria provided, single submitter. Criteria: Invitae Variant Classification Sherloc (09022015). Collection method: clinical testing. Allele origin: germline.
Comment: In summary, the available evidence is currently insufficient to determine the role of this variant in disease. Therefore, it has been classified as a Variant of Uncertain Significance. Algorithms developed to predict the effect of missense changes on protein structure and function (SIFT, PolyPhen-2, Align-GVGD) all suggest that this variant is likely to be tolerated, but these predictions have not been confirmed by published functional studies and their clinical significance is uncertain. This variant has not been reported in the literature in individuals with COL12A1-related conditions. This variant is not present in population databases (ExAC no frequency). This sequence change replaces threonine with alanine at codon 2868 of the COL12A1 protein (p.Thr2868Ala). The threonine residue is moderately conserved and there is a small physicochemical difference between threonine and alanine.